The following is an entry in ClinVar:

NM_001114753.3(ENG):c.109C>T (p.Pro37Ser)

Gene: ENG (endoglin; minus strand). Cytogenetic location: 9q34.11.
Variant type: single nucleotide variant.
Coding change: c.109C>T on transcript NM_001114753.3 (MANE Select); coding-DNA position 109, C replaced by T.
Protein change: p.Pro37Ser; replaces proline 37 with serine.
Molecular consequence: missense variant. On other transcripts: 5 prime UTR variant (1).
Genome position (GRCh38, 1-based): chr9:127,843,204, G>A on the plus strand (C>T on the coding strand, the complement: ENG is on the minus strand). VCF-style: chr9-127843204-G-A. GRCh37 (hg19) VCF-style: chr9-130605483-G-A.
Other names: c.109C>T, p.Pro37Ser (NM_000118.4, NM_001406715.1); c.-438C>T (NM_001278138.2); short protein forms P37S.
Identifiers: ClinVar variation 5035960 (VCV005035960.1).

ClinVar aggregate classification (germline): Uncertain significance (1 of 4 stars; one submission).

Conditions:
Cardiovascular phenotype. Identifiers: MedGen CN230736.

Submission:

Ambry Genetics
Classification: Uncertain significance for Cardiovascular phenotype. Last evaluated: 2026-07-14. Review status: criteria provided, single submitter. Criteria: Ambry Variant Classification Scheme 2023. Collection method: clinical testing. Allele origin: germline.
Comment: The p.P37S variant (also known as c.109C>T), located in coding exon 2 of the ENG gene, results from a C to T substitution at nucleotide position 109. The proline at codon 37 is replaced by serine, an amino acid with similar properties. This amino acid position is conserved. In addition, this alteration is predicted to be tolerated by in silico analysis. Based on the available evidence, the clinical significance of this variant remains unclear.